The following is an entry in ClinVar:

ClinVar aggregate classification (germline): Conflicting classifications of pathogenicity. Review status: criteria provided, conflicting classifications (1 of 4 stars). 3 submissions from 3 submitters: Uncertain significance (1); Likely benign (1). 1 of the submissions does not count toward it. Last evaluated 2026-01-28.

Conditions:
ITGB4-related disorder. Also called: ITGB4-related condition.
Junctional epidermolysis bullosa with pyloric atresia. Also called: APLASIA CUTIS CONGENITA WITH GASTROINTESTINAL ATRESIA; CARMI SYNDROME; EB-PA-ACC; EPIDERMOLYSIS BULLOSA, JUNCTIONAL 5B, WITH PYLORIC ATRESIA; ITGB4-Related Epidermolysis Bullosa with Pyloric Atresia; ITGA6-Related Epidermolysis Bullosa with Pyloric Atresia. Identifiers: Orphanet 79403, MedGen C5676875, MONDO:0009183, OMIM 226730.

Allele frequency attached by ClinVar (database versions not stated): gnomAD exomes 0.00022 and 0.00043; TOPMed 0.00031; ExAC 0.00036; gnomAD 0.00039 and 0.00041; ESP Exome Variant Server 0.00085.
gnomAD v4.1: 688 of 1,598,298 alleles (0.043%); highest among the groups gnomAD compares: Non-Finnish European, 0.054%; no homozygotes.

Submissions (3):

Labcorp Genetics (formerly Invitae), Labcorp
Classification: Likely benign. Last evaluated: 2026-01-28. Review status: criteria provided, single submitter. Criteria: Invitae Variant Classification Sherloc (09022015). Collection method: clinical testing. Allele origin: germline.

Illumina Laboratory Services, Illumina
Classification: Uncertain significance for Junctional epidermolysis bullosa with pyloric atresia. Last evaluated: 2018-01-13. Review status: criteria provided, single submitter. Criteria: ICSL Variant Classification Criteria 13 December 2019. Collection method: clinical testing. Allele origin: germline.

PreventionGenetics, part of Exact Sciences
Classification: Likely benign for ITGB4-related condition. Last evaluated: 2022-12-18. Review status: no assertion criteria provided. Collection method: clinical testing. Allele origin: germline. Not counted in ClinVar's aggregate classification.
Comment: This variant is classified as likely benign based on ACMG/AMP sequence variant interpretation guidelines (Richards et al. 2015 PMID: 25741868, with internal and published modifications).

NM_000213.5(ITGB4):c.2145C>T (p.Ile715=)

Gene: ITGB4 (integrin subunit beta 4; plus strand). Cytogenetic location: 17q25.1.
Variant type: single nucleotide variant.
Coding change: c.2145C>T on transcript NM_000213.5 (MANE Select); coding-DNA position 2145, C replaced by T.
Protein change: p.Ile715=; no amino-acid change (isoleucine 715 retained).
Molecular consequence: synonymous variant.
Genome position (GRCh38, 1-based): chr17:75,737,569, C>T. VCF-style: chr17-75737569-C-T. GRCh37 (hg19) VCF-style: chr17-73733650-C-T.
Other names: c.2145C>T, p.Ile715= (NM_001005619.2, NM_001005731.3, NM_001321123.2).
Identifiers: ClinVar variation 888844 (VCV000888844.13), dbSNP rs140999738, ClinGen allele CA8769275.